The following is an entry in ClinVar:

ClinVar aggregate classification (germline): Uncertain significance (1 of 4 stars; one submission).

Conditions:
Neuronal ceroid lipofuscinosis 8 northern epilepsy variant. Also called: EPILEPSY, PROGRESSIVE, WITH MENTAL RETARDATION; NORTHERN EPILEPSY. Identifiers: Orphanet 1947, MedGen C1864923, MONDO:0012391, OMIM 610003.
Neuronal ceroid lipofuscinosis 8 (CLN8). Also called: CLN8-Related Neuronal Ceroid-Lipofuscinosis. Identifiers: Orphanet 168491, Orphanet 228354, Orphanet 79264, MedGen C1838570, MONDO:0010830, OMIM 600143.

Allele frequency attached by ClinVar (database versions not stated): TOPMed 0.00001.

Submission:

Center for Genomics, Ann and Robert H. Lurie Children's Hospital of Chicago
Classification: Uncertain significance for Neuronal ceroid lipofuscinosis 8 northern epilepsy variant; Neuronal ceroid lipofuscinosis 8. Review status: criteria provided, single submitter. Criteria: ACMG Guidelines, 2015. Collection method: clinical testing. Allele origin: germline.
Comment: CLN8 NM_018941 exon2 p.Val33Ala (c.98T>C): This variant has not been reported in the literature and is not present in large control databases. The variant Alanine (Ala) amino acid is present in several species (Tibetan Antelope, Cow, Sheep, Horse, Ferret, Atlantic Cod, and Lamprey) and this position is not well conserved among evolutionarily distant species; this suggests that this variant may not impact the protein. Additional computational prediction tools do not suggest an impact. In summary, data on this variant is insufficient for disease classification. Therefore, the clinical significance of this variant is uncertain.

NM_018941.4(CLN8):c.98T>C (p.Val33Ala)

Gene: CLN8 (CLN8 transmembrane ER and ERGIC protein; plus strand). Cytogenetic location: 8p23.3.
Variant type: single nucleotide variant.
Coding change: c.98T>C on transcript NM_018941.4 (MANE Select); coding-DNA position 98, T replaced by C.
Protein change: p.Val33Ala; replaces valine 33 with alanine.
Molecular consequence: missense variant.
Genome position (GRCh38, 1-based): chr8:1,771,152, T>C. VCF-style: chr8-1771152-T-C. GRCh37 (hg19) VCF-style: chr8-1719318-T-C.
Other names: short protein forms V33A.
Identifiers: ClinVar variation 626088 (VCV000626088.3), dbSNP rs1301388199, ClinGen allele CA369952865.